The following is an entry in ClinVar:

ClinVar aggregate classification (germline): Uncertain significance (1 of 4 stars; one submission).

Conditions:
Tuberous sclerosis 2 (TSC2). Identifiers: Orphanet 805, MedGen C1860707, MONDO:0013199, OMIM 613254.

Submission:

Labcorp Genetics (formerly Invitae), Labcorp
Classification: Uncertain significance for Tuberous sclerosis 2. Last evaluated: 2023-08-01. Review status: criteria provided, single submitter. Criteria: Invitae Variant Classification Sherloc (09022015). Collection method: clinical testing. Allele origin: germline.
Comment: In summary, the available evidence is currently insufficient to determine the role of this variant in disease. Therefore, it has been classified as a Variant of Uncertain Significance. Advanced modeling of protein sequence and biophysical properties (such as structural, functional, and spatial information, amino acid conservation, physicochemical variation, residue mobility, and thermodynamic stability) performed at Invitae indicates that this missense variant is not expected to disrupt TSC2 protein function. This variant has not been reported in the literature in individuals affected with TSC2-related conditions. This variant is not present in population databases (gnomAD no frequency). This sequence change replaces glutamic acid, which is acidic and polar, with glutamine, which is neutral and polar, at codon 141 of the TSC2 protein (p.Glu141Gln).

NM_000548.5(TSC2):c.421G>C (p.Glu141Gln)

Gene: TSC2 (TSC complex subunit 2; plus strand). Cytogenetic location: 16p13.3.
Variant type: single nucleotide variant.
Coding change: c.421G>C on transcript NM_000548.5 (MANE Select); coding-DNA position 421, G replaced by C.
Protein change: p.Glu141Gln; replaces glutamic acid 141 with glutamine.
Molecular consequence: missense variant. On other transcripts: 5 prime UTR variant (14), non-coding transcript variant (5), intron variant (6).
Genome position (GRCh38, 1-based): chr16:2,054,380, G>C. VCF-style: chr16-2054380-G-C. GRCh37 (hg19) VCF-style: chr16-2104381-G-C.
Other names: c.421G>C, p.Glu141Gln (NM_001077183.3, NM_001114382.3, NM_001363528.2 and 8 more transcripts); c.310G>C, p.Glu104Gln (NM_001318827.2, NM_001406670.1, NM_001406678.1); c.274G>C, p.Glu92Gln (NM_001318829.2, NM_001406675.1, NM_001406676.1 and 1 more transcripts); c.454G>C, p.Glu152Gln (NM_001318832.2); c.511G>C, p.Glu171Gln (NM_001406667.1, NM_001406668.1); c.364G>C, p.Glu122Gln (NM_001406677.1); c.-396G>C (NM_001406680.1, NM_001406683.1, NM_001406687.1); c.-25G>C (NM_001406681.1); and 6 more; short protein forms E141Q, E122Q, E171Q, E104Q, E152Q, E92Q.
Identifiers: ClinVar variation 2844167 (VCV002844167.3), dbSNP rs1060500924, ClinGen allele CA394307197.
Genomic context (GRCh38, chr16:2,054,380, plus strand): 5'-GCCCTCTTCTTTAAGGTCATCAAGGATTACCCTTCCAACGAAGACCTTCACGAAAGGCTG[G>C]AGGTTTTCAAGGCCCTCACAGACAATGGGAGACACATCACCTACTTGGAGGAAGAGCTGG-3'
Protein context (NP_000539.2, residues 131-151): PSNEDLHERL[Glu141Gln]VFKALTDNGR